The following is an entry in ClinVar:

ClinVar aggregate classification (germline): Uncertain significance (1 of 4 stars; one submission).

Conditions:
Perlman syndrome (PRLMNS). Identifiers: Orphanet 2849, MedGen C0796113, MONDO:0009965, OMIM 267000.

Submission:

Labcorp Genetics (formerly Invitae), Labcorp
Classification: Uncertain significance for Perlman syndrome. Last evaluated: 2023-03-29. Review status: criteria provided, single submitter. Criteria: Invitae Variant Classification Sherloc (09022015). Collection method: clinical testing. Allele origin: germline.
Comment: Advanced modeling of protein sequence and biophysical properties (such as structural, functional, and spatial information, amino acid conservation, physicochemical variation, residue mobility, and thermodynamic stability) performed at Invitae indicates that this missense variant is not expected to disrupt DIS3L2 protein function. In summary, the available evidence is currently insufficient to determine the role of this variant in disease. Therefore, it has been classified as a Variant of Uncertain Significance. This sequence change replaces cysteine, which is neutral and slightly polar, with arginine, which is basic and polar, at codon 312 of the DIS3L2 protein (p.Cys312Arg). This variant is not present in population databases (gnomAD no frequency). This variant has not been reported in the literature in individuals affected with DIS3L2-related conditions.

NM_152383.5(DIS3L2):c.934T>C (p.Cys312Arg)

Gene: DIS3L2 (DIS3 like 3'-5' exoribonuclease 2; plus strand). Cytogenetic location: 2q37.1.
Variant type: single nucleotide variant.
Coding change: c.934T>C on transcript NM_152383.5 (MANE Select); coding-DNA position 934, T replaced by C.
Protein change: p.Cys312Arg; replaces cysteine 312 with arginine.
Molecular consequence: missense variant. On other transcripts: non-coding transcript variant (1).
Genome position (GRCh38, 1-based): chr2:232,136,703, T>C. VCF-style: chr2-232136703-T-C. GRCh37 (hg19) VCF-style: chr2-233001413-T-C.
Other names: c.934T>C, p.Cys312Arg (NM_001257281.2); short protein forms C312R.
Identifiers: ClinVar variation 2898301 (VCV002898301.3), dbSNP rs1698368959, ClinGen allele CA351153916.